The following is an entry in ClinVar:

NM_080732.4(EGLN2):c.40C>G (p.Leu14Val)

Genes: EGLN2 (egl-9 family hypoxia inducible factor 2; plus strand), RAB4B-EGLN2 (RAB4B-EGLN2 readthrough (NMD candidate); plus strand). Cytogenetic location: 19q13.2.
Variant type: single nucleotide variant.
Coding change: c.40C>G on transcript NM_080732.4 (MANE Select); coding-DNA position 40, C replaced by G.
Protein change: p.Leu14Val; replaces leucine 14 with valine.
Molecular consequence: missense variant. On other transcripts: non-coding transcript variant (1).
Genome position (GRCh38, 1-based): chr19:40,800,612, C>G. VCF-style: chr19-40800612-C-G. GRCh37 (hg19) VCF-style: chr19-41306517-C-G.
Other names: c.40C>G, p.Leu14Val (NM_053046.4); short protein forms L14V.
Identifiers: ClinVar variation 3229001 (VCV003229001.1), dbSNP rs1461673197, ClinGen allele CA405954442.

ClinVar aggregate classification (germline): Uncertain significance (1 of 4 stars; one submission).

Allele frequency attached by ClinVar (database versions not stated): gnomAD exomes below 0.00001.

Submission:

Ambry Genetics
Classification: Uncertain significance. Last evaluated: 2023-12-05. Review status: criteria provided, single submitter. Criteria: Ambry Variant Classification Scheme 2023. Collection method: clinical testing. Allele origin: germline.
Comment: The p.L14V variant (also known as c.40C>G), located in coding exon 1 of the EGLN2 gene, results from a C to G substitution at nucleotide position 40. The leucine at codon 14 is replaced by valine, an amino acid with highly similar properties. This amino acid position is conserved. In addition, this alteration is predicted to be tolerated by in silico analysis. Since supporting evidence is limited at this time, the clinical significance of this alteration remains unclear.